The following is an entry in ClinVar:

ClinVar aggregate classification (germline): Uncertain significance. Review status: criteria provided, multiple submitters, no conflicts (2 of 4 stars). 2 submissions from 2 submitters: Uncertain significance (2). Last evaluated 2024-09-18.

Conditions:
Inborn genetic diseases. Identifiers: MedGen C0950123, MeSH D030342.

gnomAD v4.1: 1 of 1,613,340 alleles (0.000062%); highest among the groups gnomAD compares: East Asian, 0.0022%; no homozygotes.

Submissions (2):

Ambry Genetics
Classification: Uncertain significance for Inborn genetic diseases. Last evaluated: 2024-09-18. Review status: criteria provided, single submitter. Criteria: Ambry Variant Classification Scheme 2023. Collection method: clinical testing. Allele origin: germline.
Comment: The p.N203I variant (also known as c.608A>T), located in coding exon 8 of the ERCC2 gene, results from an A to T substitution at nucleotide position 608. The asparagine at codon 203 is replaced by isoleucine, an amino acid with dissimilar properties. This amino acid position is conserved. In addition, the in silico prediction for this alteration is inconclusive. Based on the available evidence, the clinical significance of this variant remains unclear.

Labcorp Genetics (formerly Invitae), Labcorp
Classification: Uncertain significance. Last evaluated: 2022-07-17. Review status: criteria provided, single submitter. Criteria: Invitae Variant Classification Sherloc (09022015). Collection method: clinical testing. Allele origin: germline.
Comment: This sequence change replaces asparagine, which is neutral and polar, with isoleucine, which is neutral and non-polar, at codon 203 of the ERCC2 protein (p.Asn203Ile). This variant is present in population databases (no rsID available, gnomAD 0.006%). This variant has not been reported in the literature in individuals affected with ERCC2-related conditions. Algorithms developed to predict the effect of missense changes on protein structure and function are either unavailable or do not agree on the potential impact of this missense change (SIFT: "Deleterious"; PolyPhen-2: "Possibly Damaging"; Align-GVGD: "Class C0"). In summary, the available evidence is currently insufficient to determine the role of this variant in disease. Therefore, it has been classified as a Variant of Uncertain Significance.

NM_000400.4(ERCC2):c.608A>T (p.Asn203Ile)

Gene: ERCC2 (ERCC excision repair 2, TFIIH core complex helicase subunit; minus strand). Cytogenetic location: 19q13.32.
Variant type: single nucleotide variant.
Coding change: c.608A>T on transcript NM_000400.4 (MANE Select); coding-DNA position 608, A replaced by T.
Protein change: p.Asn203Ile; replaces asparagine 203 with isoleucine.
Molecular consequence: missense variant.
Genome position (GRCh38, 1-based): chr19:45,364,534, T>A on the plus strand (A>T on the coding strand, the complement: ERCC2 is on the minus strand). VCF-style: chr19-45364534-T-A. GRCh37 (hg19) VCF-style: chr19-45867792-T-A.
Other names: c.536A>T, p.Asn179Ile (NM_001130867.2); short protein forms N179I, N203I.
Identifiers: ClinVar variation 1717804 (VCV001717804.4), dbSNP rs771182769, ClinGen allele CA406375533.